The following is an entry in ClinVar:

NM_017739.4(POMGNT1):c.1666G>A (p.Asp556Asn)

Genes: POMGNT1 (protein O-linked mannose N-acetylglucosaminyltransferase 1 (beta 1,2-); minus strand), TSPAN1 (tetraspanin 1; plus strand). Cytogenetic location: 1p34.1.
Variant type: single nucleotide variant.
Coding change: c.1666G>A on transcript NM_017739.4 (MANE Select); coding-DNA position 1666, G replaced by A.
Protein change: p.Asp556Asn; replaces aspartic acid 556 with asparagine.
Molecular consequence: missense variant.
Genome position (GRCh38, 1-based): chr1:46,189,973, C>T on the plus strand (G>A on the coding strand, the complement: POMGNT1 is on the minus strand). VCF-style: chr1-46189973-C-T. GRCh37 (hg19) VCF-style: chr1-46655645-C-T.
Other names: p.D556N:GAC>AAC; c.1666G>A, p.Asp556Asn (NM_001243766.2, NM_001410783.1); c.1600G>A, p.Asp534Asn (NM_001290129.3); c.1237G>A, p.Asp413Asn (NM_001290130.2); short protein forms D556N, D413N, D534N.
Identifiers: ClinVar variation 3997 (VCV000003997.62), dbSNP rs74374973, ClinGen allele CA116557.

ClinVar aggregate classification (germline): Conflicting classifications of pathogenicity. Review status: criteria provided, conflicting classifications (1 of 4 stars). 21 submissions from 17 submitters: Uncertain significance (3); Benign (7); Likely benign (8). 3 of the submissions do not count toward it. Last evaluated 2026-09-01.

Conditions:
Structural eye disease.
Congenital Muscular Dystrophy, alpha-dystroglycan related.
Muscular dystrophy-dystroglycanopathy (congenital with brain and eye anomalies), type A3. Also called: WALKER-WARBURG SYNDROME OR MUSCLE-EYE-BRAIN DISEASE, POMGNT1-RELATED; Muscular dystrophy-dystroglycanopathy (congenital with brain and eye anomalies), type A, 3; Congenital muscular dystrophy-dystroglycanopathy with brain and eye anomalies, type A3. Identifiers: MedGen C3151519, MONDO:0009667, OMIM 253280.
Autosomal recessive limb-girdle muscular dystrophy type 2O. Also called: MUSCULAR DYSTROPHY-DYSTROGLYCANOPATHY, LIMB-GIRDLE, POMGNT1-RELATED; MUSCULAR DYSTROPHY-DYSTROGLYCANOPATHY (LIMB-GIRDLE), TYPE C, 3; Limb-Girdle Muscular Dystrophy Type 3C. Identifiers: Orphanet 206564, MedGen C3150417, MONDO:0013161, OMIM 613157.
Muscular dystrophy-dystroglycanopathy (congenital with impaired intellectual development), type B, 3. Also called: MUSCULAR DYSTROPHY, CONGENITAL, POMGNT1-RELATED; Muscular dystrophy-dystroglycanopathy (congenital with intellectual disability), type B3. Identifiers: MedGen C3150412, MONDO:0013155, OMIM 613151.
Retinitis pigmentosa 76 (RP76). Identifiers: MedGen C4310704, MONDO:0014929, OMIM 617123.
Muscle eye brain disease (MEB). Also called: Santavuori congenital muscular dystrophy. Identifiers: Orphanet 588, Orphanet 899, MedGen C0457133, MONDO:0018939.

Allele frequency attached by ClinVar (database versions not stated): 1000 Genomes Project 30x 0.00500; gnomAD 0.00994 and 0.00953; gnomAD exomes 0.00997 and 0.01179; ExAC 0.00912; TOPMed 0.00983; 1000 Genomes Project 0.00519; ESP Exome Variant Server 0.00861.
gnomAD v4.1: 18,700 of 1,614,096 alleles (1.2%); highest among the groups gnomAD compares: Non-Finnish European, 1.3%; 120 homozygotes.

Submissions (21):

CeGaT Center for Human Genetics Tuebingen
Classification: Benign. Last evaluated: 2026-09-01. Review status: criteria provided, single submitter. Criteria: CeGaT Center For Human Genetics Tuebingen Variant Classification Criteria Version 2. Collection method: clinical testing. Allele origin: germline. Affected: yes. Observed: 69 variant alleles.
Comment: POMGNT1: BS1, BS2

Genetics Laboratory, Great Ormond Street Hospital NHS Foundation Trust, North Thames Genomic Laboratory Hub
Classification: Benign for Structural eye disease. Last evaluated: 2026-08-02. Review status: criteria provided, single submitter. Criteria: ACGS Best Practice Guidelines for Variant Classification in Rare Disease 2024 v1.2. Collection method: clinical testing. Allele origin: germline. Affected: yes.
Comment: BS1_strong, BS2_strong

Labcorp Genetics (formerly Invitae), Labcorp
Classification: Benign for Autosomal recessive limb-girdle muscular dystrophy type 2O; Muscular dystrophy-dystroglycanopathy (congenital with impaired intellectual development), type B, 3. Last evaluated: 2026-02-04. Review status: criteria provided, single submitter. Criteria: Invitae Variant Classification Sherloc (09022015). Collection method: clinical testing. Allele origin: germline.

Blueprint Genetics
Classification: Likely benign. Last evaluated: 2024-11-26. Review status: criteria provided, single submitter. Criteria: ACMG Guidelines, 2015. Collection method: clinical testing. Allele origin: germline.

Women's Health and Genetics/Laboratory Corporation of America, LabCorp
Classification: Likely benign. Last evaluated: 2021-12-10. Review status: criteria provided, single submitter. Criteria: LabCorp Variant Classification Summary - May 2015. Collection method: clinical testing. Allele origin: germline.

Genome-Nilou Lab
Classification: Likely benign for Muscular dystrophy-dystroglycanopathy (congenital with impaired intellectual development), type B, 3. Last evaluated: 2021-07-22. Review status: criteria provided, single submitter. Criteria: ACMG Guidelines, 2015. Collection method: clinical testing. Allele origin: germline. Affected: no.

Genome-Nilou Lab
Classification: Likely benign for Autosomal recessive limb-girdle muscular dystrophy type 2O. Last evaluated: 2021-07-22. Review status: criteria provided, single submitter. Criteria: ACMG Guidelines, 2015. Collection method: clinical testing. Allele origin: germline. Affected: no.

Genome-Nilou Lab
Classification: Likely benign for Retinitis pigmentosa 76. Last evaluated: 2021-07-22. Review status: criteria provided, single submitter. Criteria: ACMG Guidelines, 2015. Collection method: clinical testing. Allele origin: germline. Affected: no.

Genome-Nilou Lab
Classification: Uncertain significance for Muscular dystrophy-dystroglycanopathy (congenital with brain and eye anomalies), type A3. Last evaluated: 2021-05-18. Review status: criteria provided, single submitter. Criteria: ACMG Guidelines, 2015. Collection method: clinical testing. Allele origin: germline. Affected: no.

Athena Diagnostics
Classification: Likely benign. Last evaluated: 2020-04-08. Review status: criteria provided, single submitter. Criteria: Athena Diagnostics Criteria. Collection method: clinical testing. Allele origin: unknown.

Mendelics
Classification: Likely benign for Muscular dystrophy-dystroglycanopathy (congenital with brain and eye anomalies), type A3. Last evaluated: 2019-05-28. Review status: criteria provided, single submitter. Criteria: Mendelics Assertion Criteria 2017. Collection method: clinical testing. Allele origin: unknown.

Mayo Clinic Laboratories, Mayo Clinic
Classification: Benign. Last evaluated: 2019-04-09. Review status: criteria provided, single submitter. Criteria: ACMG Guidelines, 2015. Collection method: clinical testing. Allele origin: germline. Observed: 22 variant alleles.

Illumina Laboratory Services, Illumina
Classification: Uncertain significance for Autosomal recessive limb-girdle muscular dystrophy type 2O. Last evaluated: 2017-04-27. Review status: criteria provided, single submitter. Criteria: ICSL Variant Classification Criteria 13 December 2019. Collection method: clinical testing. Allele origin: germline.
Comment: This variant was observed as part of a predisposition screen in an ostensibly healthy population. A literature search was performed for the gene, cDNA change, and amino acid change (where applicable). Publications were found based on this search. However, the evidence from the literature, in combination with allele frequency data from public databases where available, was not sufficient to rule this variant in or out of causing disease. Therefore, this variant is classified as a variant of unknown significance.

Illumina Laboratory Services, Illumina
Classification: Uncertain significance for Congenital Muscular Dystrophy, alpha-dystroglycan related. Last evaluated: 2017-04-27. Review status: criteria provided, single submitter. Criteria: ICSL Variant Classification Criteria 13 December 2019. Collection method: clinical testing. Allele origin: germline.

GeneDx
Classification: Benign. Last evaluated: 2016-11-04. Review status: criteria provided, single submitter. Criteria: GeneDx Variant Classification (06012015). Collection method: clinical testing. Allele origin: germline. Affected: yes.
Comment: This variant is considered likely benign or benign based on one or more of the following criteria: it is a conservative change, it occurs at a poorly conserved position in the protein, it is predicted to be benign by multiple in silico algorithms, and/or has population frequency not consistent with disease.

Genetic Services Laboratory, University of Chicago
Classification: Benign. Last evaluated: 2015-08-23. Review status: criteria provided, single submitter. Criteria: ACMG Guidelines, 2015. Collection method: clinical testing. Allele origin: germline. Affected: no.

Eurofins Ntd Llc (ga)
Classification: Benign. Last evaluated: 2013-07-24. Review status: criteria provided, single submitter. Criteria: EGL Classification Definitions 2015. Collection method: clinical testing. Allele origin: germline. Observed: 2 variant alleles, 2 heterozygotes.

PreventionGenetics, part of Exact Sciences
Classification: Likely benign. Review status: criteria provided, single submitter. Criteria: ACMG Guidelines, 2015. Collection method: clinical testing. Allele origin: germline.

Natera, Inc.
Classification: Benign for Muscle-eye-brain disease. Last evaluated: 2020-01-06. Review status: no assertion criteria provided. Collection method: clinical testing. Allele origin: germline. Not counted in ClinVar's aggregate classification.

Counsyl
Classification: Likely benign for Muscular dystrophy-dystroglycanopathy (congenital with brain and eye anomalies), type A3. Last evaluated: 2017-12-13. Review status: no assertion criteria provided. Collection method: clinical testing. Allele origin: unknown. Not counted in ClinVar's aggregate classification.

OMIM
Classification: Pathogenic for MUSCULAR DYSTROPHY-DYSTROGLYCANOPATHY (LIMB-GIRDLE), TYPE C, 3. Last evaluated: 2008-11-01. Review status: no assertion criteria provided. Collection method: literature only. Allele origin: germline. Not counted in ClinVar's aggregate classification.

Literature cited by the submitters: PubMed 21228398 (cited by Athena Diagnostics); PubMed 22995991 (cited by Athena Diagnostics); PubMed 24123366 (cited by Athena Diagnostics); PubMed 27884173 (cited by Athena Diagnostics); PubMed 25333069 (cited by Athena Diagnostics); PubMed 21727005 (cited by Athena Diagnostics); PubMed 17878207 (cited by Athena Diagnostics); PubMed 18195152 (cited by 3 submitters); PubMed 18691338 (cited by Athena Diagnostics); PubMed 21361872 (cited by Athena Diagnostics and Counsyl); PubMed 20981092 (cited by Athena Diagnostics); PubMed 19067344 (cited by OMIM).